The following is an entry in ClinVar:

ClinVar aggregate classification (germline): Uncertain significance (1 of 4 stars; one submission).

Conditions:
Hereditary cancer-predisposing syndrome. Also called: Neoplastic Syndromes, Hereditary; Tumor predisposition; Hereditary Cancer Syndrome; Hereditary neoplastic syndrome. Identifiers: Orphanet 140162, MedGen C0027672, MeSH D009386, MONDO:0015356.

Submission:

Ambry Genetics
Classification: Uncertain significance for Hereditary cancer-predisposing syndrome. Last evaluated: 2025-12-15. Review status: criteria provided, single submitter. Criteria: Ambry Variant Classification Scheme 2023. Collection method: clinical testing. Allele origin: germline.
Comment: The p.E483K variant (also known as c.1447G>A), located in coding exon 7 of the ALK gene, results from a G to A substitution at nucleotide position 1447. The glutamic acid at codon 483 is replaced by lysine, an amino acid with similar properties. This amino acid position is highly conserved in available vertebrate species. In addition, this alteration is predicted to be tolerated by in silico analysis. Based on the available evidence, the clinical significance of this variant remains unclear.

NM_004304.5(ALK):c.1447G>A (p.Glu483Lys)

Gene: ALK (ALK receptor tyrosine kinase; minus strand). Cytogenetic location: 2p23.2.
Variant type: single nucleotide variant.
Coding change: c.1447G>A on transcript NM_004304.5 (MANE Select); coding-DNA position 1447, G replaced by A.
Protein change: p.Glu483Lys; replaces glutamic acid 483 with lysine.
Molecular consequence: missense variant.
Genome position (GRCh38, 1-based): chr2:29,320,850, C>T on the plus strand (G>A on the coding strand, the complement: ALK is on the minus strand). VCF-style: chr2-29320850-C-T. GRCh37 (hg19) VCF-style: chr2-29543716-C-T.
Other names: short protein forms E483K.
Identifiers: ClinVar variation 4843238 (VCV004843238.1).